The following is an entry in ClinVar:

ClinVar aggregate classification (germline): Uncertain significance (1 of 4 stars; one submission).

Conditions:
Familial intrahepatic cholestasis. Identifiers: Orphanet 284385, MedGen CN296401, MONDO:0017290.
Low phospholipid associated cholelithiasis (GBD1). Also called: Gallbladder disease 1; Gallstone cholecystitis. Identifiers: Orphanet 69663, MedGen C2609268, MONDO:0010939, OMIM 600803.

gnomAD v4.1: 1 of 1,614,174 alleles (0.000062%); highest among the groups gnomAD compares: Non-Finnish European, 0.000085%; no homozygotes.

Submission:

Genomenon, Inc
Classification: Uncertain significance for Familial intrahepatic cholestasis; Low phospholipid associated cholelithiasis. Last evaluated: 2026-04-14. Review status: criteria provided, single submitter. Criteria: Genomenon Sequence Variant Interpretation Standards - Updated. Collection method: curation. Allele origin: germline. Affected: no.
Comment: ABCB4 p.Asp243Ala (c.728A>C) is a missense variant that changes the amino acid at residue 243 from Aspartic acid to Alanine. This variant has been reported in the published literature (PMID:14999697). At least one functional study has demonstrated a substantial alteration in protein function relative to the wild-type (PMID:28220208). It is absent or not present at a significant frequency in gnomAD. In conclusion, we classify ABCB4 p.Asp243Ala (c.728A>C) as a variant of uncertain significance.

Literature cited by the submitters: PubMed 14999697; PubMed 28220208.

NM_000443.4(ABCB4):c.728A>C (p.Asp243Ala)

Gene: ABCB4 (ATP binding cassette subfamily B member 4; minus strand). Cytogenetic location: 7q21.12.
Variant type: single nucleotide variant.
Coding change: c.728A>C on transcript NM_000443.4 (MANE Select); coding-DNA position 728, A replaced by C.
Protein change: p.Asp243Ala; replaces aspartic acid 243 with alanine.
Molecular consequence: missense variant.
Genome position (GRCh38, 1-based): chr7:87,450,073, T>G on the plus strand (A>C on the coding strand, the complement: ABCB4 is on the minus strand). VCF-style: chr7-87450073-T-G. GRCh37 (hg19) VCF-style: chr7-87079389-T-G.
Other names: c.728A>C, p.Asp243Ala (NM_018849.3, NM_018850.3); short protein forms D243A.
Identifiers: ClinVar variation 4846416 (VCV004846416.1).